The following is an entry in ClinVar:

ClinVar aggregate classification (germline): Uncertain significance. Review status: criteria provided, multiple submitters, no conflicts (2 of 4 stars). 5 submissions from 5 submitters: Uncertain significance (5). Last evaluated 2026-08-06.

Conditions:
Cerebral arteriopathy, autosomal dominant, with subcortical infarcts and leukoencephalopathy, type 1 (CADASIL1). Also called: CADASIL 1; CASIL; Cerebral arteriopathy with subcortical infarcts and leukoencephalopathy 1; DEMENTIA, HEREDITARY MULTIINFARCT TYPE. Identifiers: Orphanet 136, MedGen C4551768, MONDO:0000914, OMIM 125310.
Lateral meningocele syndrome (LMNS). Also called: NOTCH3-Related Lateral Meningocele Syndrome. Identifiers: Orphanet 2789, MedGen C1851710, MONDO:0007537, OMIM 130720.
Myofibromatosis, infantile, 2. Identifiers: Orphanet 2591, MedGen C3809084, MONDO:0014122, OMIM 615293.

Allele frequency attached by ClinVar (database versions not stated): gnomAD exomes 0.00001.
gnomAD v4.1: 29 of 1,523,888 alleles (0.0019%); highest among the groups gnomAD compares: Non-Finnish European, 0.0023%; no homozygotes.

Submissions (5):

OLLIN Analises Genomicas, OLLIN
Classification: Uncertain significance for Cerebral arteriopathy, autosomal dominant, with subcortical infarcts and leukoencephalopathy, type 1. Last evaluated: 2026-08-06. Review status: criteria provided, single submitter. Criteria: ACMG Guidelines 2015 PMID 25741868. Collection method: clinical testing. Allele origin: germline. Inheritance: Autosomal dominant inheritance.
Comment: This missense variant, located in exon 33 (of 33), has been reported in ClinVar (accession VCV001684960.3) and in gnomAD with an allele frequency of 0.0019%. However, to our knowledge, it has not been reported in the scientific literature. In silico analysis is inconclusive regarding the impact of this variant. This gene is constrained for missense variation. According to the currently available evidence, this variant has been classified as uncertain significance (PP2).

Blueprint Genetics
Classification: Uncertain significance. Last evaluated: 2024-09-12. Review status: criteria provided, single submitter. Criteria: ACMG Guidelines, 2015. Collection method: clinical testing. Allele origin: germline.

Fulgent Genetics
Classification: Uncertain significance for Cerebral arteriopathy, autosomal dominant, with subcortical infarcts and leukoencephalopathy, type 1; Lateral meningocele syndrome; Myofibromatosis, infantile, 2. Last evaluated: 2024-01-03. Review status: criteria provided, single submitter. Criteria: ACMG Guidelines, 2015. Collection method: clinical testing. Allele origin: germline.

Athena Diagnostics
Classification: Uncertain significance. Last evaluated: 2022-06-01. Review status: criteria provided, single submitter. Criteria: Athena Diagnostics Criteria. Collection method: clinical testing. Allele origin: unknown.

Mendelics
Classification: Uncertain significance. Last evaluated: 2022-05-04. Review status: criteria provided, single submitter. Criteria: Mendelics Assertion Criteria 2019. Collection method: clinical testing. Allele origin: germline.

Literature cited by the submitters: PubMed 24086431 (cited by Athena Diagnostics).

NM_000435.3(NOTCH3):c.6242G>T (p.Gly2081Val)

Gene: NOTCH3 (notch receptor 3; minus strand). Cytogenetic location: 19p13.12.
Variant type: single nucleotide variant.
Coding change: c.6242G>T on transcript NM_000435.3 (MANE Select); coding-DNA position 6242, G replaced by T.
Protein change: p.Gly2081Val; replaces glycine 2081 with valine.
Molecular consequence: missense variant.
Genome position (GRCh38, 1-based): chr19:15,161,386, C>A on the plus strand (G>T on the coding strand, the complement: NOTCH3 is on the minus strand). VCF-style: chr19-15161386-C-A. GRCh37 (hg19) VCF-style: chr19-15272197-C-A.
Other names: short protein forms G2081V.
Identifiers: ClinVar variation 1684960 (VCV001684960.5), dbSNP rs141231747, ClinGen allele CA9262393.